The following is an entry in ClinVar:

ClinVar aggregate classification (germline): Uncertain significance (1 of 4 stars; one submission).

Conditions:
Emery-Dreifuss muscular dystrophy 5, autosomal dominant (EDMD5). Also called: EMERY-DREIFUSS MUSCULAR DYSTROPHY 5. Identifiers: Orphanet 261, MedGen C2751805, MONDO:0013072, OMIM 612999.

Allele frequency attached by ClinVar (database versions not stated): TOPMed below 0.00001.
gnomAD v4.1: 5 of 1,614,158 alleles (0.00031%); highest among the groups gnomAD compares: Non-Finnish European, 0.00042%; no homozygotes.

Submission:

Labcorp Genetics (formerly Invitae), Labcorp
Classification: Uncertain significance for Emery-Dreifuss muscular dystrophy 5, autosomal dominant. Last evaluated: 2022-03-18. Review status: criteria provided, single submitter. Criteria: Invitae Variant Classification Sherloc (09022015). Collection method: clinical testing. Allele origin: germline.
Comment: In summary, the available evidence is currently insufficient to determine the role of this variant in disease. Therefore, it has been classified as a Variant of Uncertain Significance. Algorithms developed to predict the effect of missense changes on protein structure and function are either unavailable or do not agree on the potential impact of this missense change (SIFT: "Deleterious"; PolyPhen-2: "Probably Damaging"; Align-GVGD: "Class C0"). This sequence change replaces aspartic acid, which is acidic and polar, with histidine, which is basic and polar, at codon 6881 of the SYNE2 protein (p.Asp6881His). This variant is not present in population databases (gnomAD no frequency). This variant has not been reported in the literature in individuals affected with SYNE2-related conditions. ClinVar contains an entry for this variant (Variation ID: 576116).

NM_182914.3(SYNE2):c.20641G>C (p.Asp6881His)

Gene: SYNE2 (spectrin repeat containing nuclear envelope protein 2; plus strand). Cytogenetic location: 14q23.2.
Variant type: single nucleotide variant.
Coding change: c.20641G>C on transcript NM_182914.3 (MANE Select); coding-DNA position 20641, G replaced by C.
Protein change: p.Asp6881His; replaces aspartic acid 6881 with histidine.
Molecular consequence: missense variant.
Genome position (GRCh38, 1-based): chr14:64,225,443, G>C. VCF-style: chr14-64225443-G-C. GRCh37 (hg19) VCF-style: chr14-64692161-G-C.
Other names: c.20575G>C, p.Asp6859His (NM_015180.6); c.1207G>C, p.Asp403His (NM_182910.2); c.1588G>C, p.Asp530His (NM_182913.4); short protein forms D6881H, D6859H, D530H, D403H.
Identifiers: ClinVar variation 576116 (VCV000576116.8), dbSNP rs1345320685, ClinGen allele CA389985279.